The following is an entry in ClinVar:

NM_015978.3(TNNI3K):c.1667+1G>T

Genes: FPGT-TNNI3K (FPGT-TNNI3K readthrough; plus strand), TNNI3K (TNNI3 interacting kinase; plus strand). Cytogenetic location: 1p31.1.
Variant type: single nucleotide variant.
Coding change: c.1667+1G>T on transcript NM_015978.3 (MANE Select); the canonical splice donor site of the intron after coding-DNA position 1667, G replaced by T.
Molecular consequence: splice donor variant.
Genome position (GRCh38, 1-based): chr1:74,369,586, G>T. VCF-style: chr1-74369586-G-T. GRCh37 (hg19) VCF-style: chr1-74835270-G-T.
Other names: c.1970+1G>T (NM_001112808.3, NM_001199327.2).
Identifiers: ClinVar variation 2501871 (VCV002501871.1), dbSNP rs199684206, ClinGen allele CA340786469.

ClinVar aggregate classification (germline): Uncertain significance (1 of 4 stars; one submission).

gnomAD v4.1: 2 of 1,598,626 alleles (0.00013%); highest among the groups gnomAD compares: South Asian, 0.0011%; no homozygotes.

Submission:

GeneDx
Classification: Uncertain significance. Last evaluated: 2022-11-10. Review status: criteria provided, single submitter. Criteria: GeneDx Variant Classification Process June 2021. Collection method: clinical testing. Allele origin: germline. Affected: yes.
Comment: Not observed at significant frequency in large population cohorts (gnomAD); Canonical splice site variant with an unclear effect on protein function; Has not been previously published as pathogenic or benign to our knowledge